The following is an entry in ClinVar:

ClinVar aggregate classification (germline): Uncertain significance (1 of 4 stars; one submission).

Conditions:
Autosomal recessive limb-girdle muscular dystrophy type 2E (LGMDR4). Also called: MUSCULAR DYSTROPHY, LIMB-GIRDLE, AUTOSOMAL RECESSIVE 4. Identifiers: Orphanet 119, MedGen C1858593, MONDO:0011423, OMIM 604286. Disease mechanism: Affects gamma-sarcoglycan and also disrupts the integrity of the entire sarcoglycan complex..

Allele frequency attached by ClinVar (database versions not stated): TOPMed 0.00001.
gnomAD v4.1: 5 of 1,613,880 alleles (0.00031%); highest among the groups gnomAD compares: Non-Finnish European, 0.00042%; no homozygotes.

Submission:

Labcorp Genetics (formerly Invitae), Labcorp
Classification: Uncertain significance for Autosomal recessive limb-girdle muscular dystrophy type 2E. Last evaluated: 2025-09-07. Review status: criteria provided, single submitter. Criteria: Invitae Variant Classification Sherloc (09022015). Collection method: clinical testing. Allele origin: germline.
Comment: This sequence change replaces valine, which is neutral and non-polar, with leucine, which is neutral and non-polar, at codon 127 of the SGCB protein (p.Val127Leu). This variant is not present in population databases (gnomAD no frequency). This variant has not been reported in the literature in individuals affected with SGCB-related conditions. ClinVar contains an entry for this variant (Variation ID: 2917406). Invitae Evidence Modeling of protein sequence and biophysical properties (such as structural, functional, and spatial information, amino acid conservation, physicochemical variation, residue mobility, and thermodynamic stability) indicates that this missense variant is not expected to disrupt SGCB protein function with a negative predictive value of 80%. In summary, the available evidence is currently insufficient to determine the role of this variant in disease. Therefore, it has been classified as a Variant of Uncertain Significance.

NM_000232.5(SGCB):c.379G>C (p.Val127Leu)

Gene: SGCB (sarcoglycan beta; minus strand). Cytogenetic location: 4q12.
Variant type: single nucleotide variant.
Coding change: c.379G>C on transcript NM_000232.5 (MANE Select); coding-DNA position 379, G replaced by C.
Protein change: p.Val127Leu; replaces valine 127 with leucine.
Molecular consequence: missense variant.
Genome position (GRCh38, 1-based): chr4:52,029,728, C>G on the plus strand (G>C on the coding strand, the complement: SGCB is on the minus strand). VCF-style: chr4-52029728-C-G. GRCh37 (hg19) VCF-style: chr4-52895894-C-G.
Other names: short protein forms V127L.
Identifiers: ClinVar variation 2917406 (VCV002917406.3), dbSNP rs746101699, ClinGen allele CA96783038.